The following is an entry in ClinVar:

NM_000465.4(BARD1):c.2002-17T>C

Gene: BARD1 (BRCA1 associated RING domain 1; minus strand). Cytogenetic location: 2q35.
Variant type: single nucleotide variant.
Coding change: c.2002-17T>C on transcript NM_000465.4 (MANE Select); 17 bases into the intron before coding-DNA position 2002, T replaced by C.
Molecular consequence: intron variant.
Genome position (GRCh38, 1-based): chr2:214,729,025, A>G on the plus strand (T>C on the coding strand, the complement: BARD1 is on the minus strand). VCF-style: chr2-214729025-A-G. GRCh37 (hg19) VCF-style: chr2-215593749-A-G.
Other names: c.592-17T>C (NM_001282548.2); c.1945-17T>C (NM_001282543.2); c.649-17T>C (NM_001282545.2); c.463-17T>C (NM_001282549.2).
Identifiers: ClinVar variation 1537824 (VCV001537824.10), dbSNP rs1692232403, ClinGen allele CA1042201495.

ClinVar aggregate classification (germline): Likely benign. Review status: criteria provided, multiple submitters, no conflicts (2 of 4 stars). 2 submissions from 2 submitters: Likely benign (2). Last evaluated 2024-07-29.

Conditions:
Familial cancer of breast. Also called: hereditary breast carcinoma; BREAST CANCER, FAMILIAL; Hereditary breast cancer. Identifiers: Orphanet 227535, MedGen C0346153, MONDO:0016419, OMIM 114480. Disease mechanism: loss of function.

Allele frequency attached by ClinVar (database versions not stated): gnomAD 0.00001.
gnomAD v4.1: 1 of 1,611,710 alleles (0.000062%); highest among the groups gnomAD compares: African/African-American, 0.0013%; no homozygotes.

Submissions (2):

Myriad Genetics, Inc.
Classification: Likely benign for Familial cancer of breast. Last evaluated: 2024-07-29. Review status: criteria provided, single submitter. Criteria: Myriad Autosomal Dominant, Autosomal Recessive and X-Linked Classification Criteria (2023). Collection method: clinical testing. Allele origin: unknown.
Comment: This variant is considered likely benign. This variant is intronic and is not expected to impact mRNA splicing.

Labcorp Genetics (formerly Invitae), Labcorp
Classification: Likely benign for Familial cancer of breast. Last evaluated: 2023-02-20. Review status: criteria provided, single submitter. Criteria: Invitae Variant Classification Sherloc (09022015). Collection method: clinical testing. Allele origin: germline.